The following is an entry in ClinVar:

ClinVar aggregate classification (germline): Uncertain significance (1 of 4 stars; one submission).

Allele frequency attached by ClinVar (database versions not stated): gnomAD 0.00001; gnomAD exomes 0.00001; TOPMed 0.00001.
gnomAD v4.1: 15 of 1,612,084 alleles (0.00093%); highest among the groups gnomAD compares: Admixed American, 0.0017%; no homozygotes.

Submission:

Labcorp Genetics (formerly Invitae), Labcorp
Classification: Uncertain significance. Last evaluated: 2023-05-26. Review status: criteria provided, single submitter. Criteria: Invitae Variant Classification Sherloc (09022015). Collection method: clinical testing. Allele origin: germline.
Comment: This sequence change replaces proline, which is neutral and non-polar, with leucine, which is neutral and non-polar, at codon 513 of the POC5 protein (p.Pro513Leu). The frequency data for this variant in the population databases is considered unreliable, as metrics indicate poor data quality at this position in the gnomAD database. This variant has not been reported in the literature in individuals affected with POC5-related conditions. An algorithm developed to predict the effect of missense changes on protein structure and function (PolyPhen-2) suggests that this variant is likely to be disruptive. In summary, the available evidence is currently insufficient to determine the role of this variant in disease. Therefore, it has been classified as a Variant of Uncertain Significance.

NM_001099271.2(POC5):c.1538C>T (p.Pro513Leu)

Gene: POC5 (POC5 centriolar protein; minus strand). Cytogenetic location: 5q13.3.
Variant type: single nucleotide variant.
Coding change: c.1538C>T on transcript NM_001099271.2 (MANE Select); coding-DNA position 1538, C replaced by T.
Protein change: p.Pro513Leu; replaces proline 513 with leucine.
Molecular consequence: missense variant.
Genome position (GRCh38, 1-based): chr5:75,677,820, G>A on the plus strand (C>T on the coding strand, the complement: POC5 is on the minus strand). VCF-style: chr5-75677820-G-A. GRCh37 (hg19) VCF-style: chr5-74973645-G-A.
Other names: c.1463C>T, p.Pro488Leu (NM_152408.3); short protein forms P488L, P513L.
Identifiers: ClinVar variation 3011496 (VCV003011496.3), dbSNP rs1035633933, ClinGen allele CA120967159.